The following is an entry in ClinVar:

ClinVar aggregate classification (germline): Conflicting classifications of pathogenicity. Review status: criteria provided, conflicting classifications (1 of 4 stars). 9 submissions from 9 submitters: Uncertain significance (1); Likely benign (6). 2 of the submissions do not count toward it. Last evaluated 2025-12-23.

Conditions:
Hereditary cancer-predisposing syndrome. Also called: Hereditary Cancer Syndrome; Neoplastic Syndromes, Hereditary; Tumor predisposition; Hereditary neoplastic syndrome. Identifiers: Orphanet 140162, MedGen C0027672, MeSH D009386, MONDO:0015356.
Ataxia-telangiectasia syndrome (AT). Also called: Ataxia telangiectasia (A-T); Ataxia-telangiectasia, complementation group E; LOUIS-BAR SYNDROME; Cerebello-oculocutaneous telangiectasia; Immunodeficiency with ataxia telangiectasia; Ataxia-telangiectasia, complementation group D. Identifiers: Orphanet 100, MedGen C0004135, MONDO:0008840, OMIM 208900.
Familial cancer of breast. Also called: Hereditary breast cancer; hereditary breast carcinoma; BREAST CANCER, FAMILIAL. Identifiers: Orphanet 227535, MedGen C0346153, MONDO:0016419, OMIM 114480. Disease mechanism: loss of function.

Allele frequency attached by ClinVar (database versions not stated): gnomAD 0.00001; gnomAD exomes 0.00001; ExAC 0.00002; TOPMed 0.00002.
gnomAD v4.1: 17 of 1,609,654 alleles (0.0011%); highest among the groups gnomAD compares: Non-Finnish European, 0.0014%; no homozygotes.

Submissions (9):

Labcorp Genetics (formerly Invitae), Labcorp
Classification: Likely benign for Ataxia-telangiectasia syndrome. Last evaluated: 2025-12-23. Review status: criteria provided, single submitter. Criteria: Invitae Variant Classification Sherloc (09022015). Collection method: clinical testing. Allele origin: germline.

Mayo Clinic Laboratories, Mayo Clinic
Classification: Likely benign. Last evaluated: 2025-09-09. Review status: criteria provided, single submitter. Criteria: ACMG Guidelines, 2015. Collection method: clinical testing. Allele origin: germline. Observed: 1 variant allele.
Comment: BP4, BP7

Women's Health and Genetics/Laboratory Corporation of America, LabCorp
Classification: Uncertain significance. Last evaluated: 2025-01-12. Review status: criteria provided, single submitter. Criteria: LabCorp Variant Classification Summary - May 2015. Collection method: clinical testing. Allele origin: germline.

Myriad Genetics, Inc.
Classification: Likely benign for Familial cancer of breast. Last evaluated: 2024-05-09. Review status: criteria provided, single submitter. Criteria: Myriad Autosomal Dominant, Autosomal Recessive and X-Linked Classification Criteria (2023). Collection method: clinical testing. Allele origin: unknown.
Comment: This variant is considered likely benign. This variant is a silent/synonymous amino acid change and it is not expected to impact splicing.

Ambry Genetics
Classification: Likely benign for Hereditary cancer-predisposing syndrome. Last evaluated: 2019-09-30. Review status: criteria provided, single submitter. Criteria: Ambry Variant Classification Scheme 2023. Collection method: clinical testing. Allele origin: germline.

GeneDx
Classification: Likely benign. Last evaluated: 2018-07-12. Review status: criteria provided, single submitter. Criteria: GeneDx Variant Classification Process June 2021. Collection method: clinical testing. Allele origin: germline. Affected: yes.

Color Diagnostics, LLC DBA Color Health
Classification: Likely benign for Hereditary cancer-predisposing syndrome. Last evaluated: 2017-08-21. Review status: criteria provided, single submitter. Criteria: ACMG Guidelines, 2015. Collection method: clinical testing. Allele origin: germline.

Diagnostic Laboratory, Department of Genetics, University Medical Center Groningen
Classification: Likely benign. Review status: no assertion criteria provided. Collection method: clinical testing. Allele origin: germline. Affected: yes. Study: VKGL Data-share Consensus. Not counted in ClinVar's aggregate classification.

Joint Genome Diagnostic Labs from Nijmegen and Maastricht, Radboudumc and MUMC+
Classification: Likely benign. Review status: no assertion criteria provided. Collection method: clinical testing. Allele origin: germline. Affected: yes. Study: VKGL Data-share Consensus. Not counted in ClinVar's aggregate classification.

NM_000051.4(ATM):c.2466A>G (p.Leu822=)

Gene: ATM (ATM serine/threonine kinase; plus strand). Cytogenetic location: 11q22.3.
Variant type: single nucleotide variant.
Coding change: c.2466A>G on transcript NM_000051.4 (MANE Select); coding-DNA position 2466, A replaced by G.
Protein change: p.Leu822=; no amino-acid change (leucine 822 retained).
Molecular consequence: synonymous variant.
Genome position (GRCh38, 1-based): chr11:108,259,075, A>G. VCF-style: chr11-108259075-A-G. GRCh37 (hg19) VCF-style: chr11-108129802-A-G.
Other names: p.Leu822=; c.2466A>G, p.Leu822= (NM_001351834.2).
Identifiers: ClinVar variation 230715 (VCV000230715.24), dbSNP rs747108452, ClinGen allele CA6265025.